The following is an entry in ClinVar:

ClinVar aggregate classification (germline): Uncertain significance (1 of 4 stars; one submission).

gnomAD v4.1: 1 of 1,614,208 alleles (0.000062%); no homozygotes.

Submission:

Labcorp Genetics (formerly Invitae), Labcorp
Classification: Uncertain significance. Last evaluated: 2022-06-04. Review status: criteria provided, single submitter. Criteria: Invitae Variant Classification Sherloc (09022015). Collection method: clinical testing. Allele origin: germline.
Comment: This sequence change replaces proline, which is neutral and non-polar, with threonine, which is neutral and polar, at codon 118 of the OCA2 protein (p.Pro118Thr). This variant is not present in population databases (gnomAD no frequency). This variant has not been reported in the literature in individuals affected with OCA2-related conditions. Advanced modeling of protein sequence and biophysical properties (such as structural, functional, and spatial information, amino acid conservation, physicochemical variation, residue mobility, and thermodynamic stability) performed at Invitae indicates that this missense variant is not expected to disrupt OCA2 protein function. In summary, the available evidence is currently insufficient to determine the role of this variant in disease. Therefore, it has been classified as a Variant of Uncertain Significance.

NM_000275.3(OCA2):c.352C>A (p.Pro118Thr)

Gene: OCA2 (OCA2 melanosomal transmembrane protein; minus strand). Cytogenetic location: 15q13.1.
Variant type: single nucleotide variant.
Coding change: c.352C>A on transcript NM_000275.3 (MANE Select); coding-DNA position 352, C replaced by A.
Protein change: p.Pro118Thr; replaces proline 118 with threonine.
Molecular consequence: missense variant.
Genome position (GRCh38, 1-based): chr15:28,028,034, G>T on the plus strand (C>A on the coding strand, the complement: OCA2 is on the minus strand). VCF-style: chr15-28028034-G-T. GRCh37 (hg19) VCF-style: chr15-28273180-G-T.
Other names: c.352C>A, p.Pro118Thr (NM_001300984.2); short protein forms P118T.
Identifiers: ClinVar variation 2072434 (VCV002072434.4), dbSNP rs2548495909, ClinGen allele CA391362242.